The following is an entry in ClinVar:

ClinVar aggregate classification (germline): Uncertain significance (1 of 4 stars; one submission).

Allele frequency attached by ClinVar (database versions not stated): TOPMed 0.00001.

Submission:

GeneDx
Classification: Uncertain significance. Last evaluated: 2022-11-22. Review status: criteria provided, single submitter. Criteria: GeneDx Variant Classification Process June 2021. Collection method: clinical testing. Allele origin: germline. Affected: yes.
Comment: Not observed at significant frequency in large population cohorts (gnomAD); In silico analysis supports that this missense variant has a deleterious effect on protein structure/function; Has not been previously published as pathogenic or benign to our knowledge

NM_001289104.2(PRKCSH):c.1263G>C (p.Gln421His)

Gene: PRKCSH (PRKCSH beta subunit of glucosidase II; plus strand). Cytogenetic location: 19p13.2.
Variant type: single nucleotide variant.
Coding change: c.1263G>C on transcript NM_001289104.2 (MANE Select); coding-DNA position 1263, G replaced by C.
Protein change: p.Gln421His; replaces glutamine 421 with histidine.
Molecular consequence: missense variant.
Genome position (GRCh38, 1-based): chr19:11,448,606, G>C. VCF-style: chr19-11448606-G-C. GRCh37 (hg19) VCF-style: chr19-11559421-G-C.
Other names: c.1233G>C, p.Gln411His (NM_001001329.3, NM_001289102.2, NM_001379609.1); c.1263G>C, p.Gln421His (NM_001289103.2); c.1242G>C, p.Gln414His (NM_001379608.1, NM_002743.3); short protein forms Q411H, Q414H, Q421H.
Identifiers: ClinVar variation 2502503 (VCV002502503.1), dbSNP rs1970437513, ClinGen allele CA404136758.